The following is an entry in ClinVar:

NM_003073.5(SMARCB1):c.203A>T (p.His68Leu)

Gene: SMARCB1 (SWI/SNF related BAF chromatin remodeling complex subunit B1; plus strand). Cytogenetic location: 22q11.23.
Variant type: single nucleotide variant.
Coding change: c.203A>T on transcript NM_003073.5 (MANE Select); coding-DNA position 203, A replaced by T.
Protein change: p.His68Leu; replaces histidine 68 with leucine.
Molecular consequence: missense variant.
Genome position (GRCh38, 1-based): chr22:23,791,865, A>T. VCF-style: chr22-23791865-A-T. GRCh37 (hg19) VCF-style: chr22-24134052-A-T.
Other names: c.203A>T, p.His68Leu (NM_001007468.3, NM_001317946.2, NM_001362877.2); short protein forms H68L.
Identifiers: ClinVar variation 934285 (VCV000934285.9), dbSNP rs1928403840, ClinGen allele CA410933077.

ClinVar aggregate classification (germline): Uncertain significance (1 of 4 stars; one submission).

Submission:

Labcorp Genetics (formerly Invitae), Labcorp
Classification: Uncertain significance. Last evaluated: 2019-07-19. Review status: criteria provided, single submitter. Criteria: Invitae Variant Classification Sherloc (09022015). Collection method: clinical testing. Allele origin: germline.
Comment: In summary, the available evidence is currently insufficient to determine the role of this variant in disease. Therefore, it has been classified as a Variant of Uncertain Significance. Algorithms developed to predict the effect of missense changes on protein structure and function (SIFT, PolyPhen-2, Align-GVGD) all suggest that this variant is likely to be tolerated, but these predictions have not been confirmed by published functional studies and their clinical significance is uncertain. This variant has not been reported in the literature in individuals with SMARCB1-related conditions. This variant is not present in population databases (ExAC no frequency). This sequence change replaces histidine with leucine at codon 68 of the SMARCB1 protein (p.His68Leu). The histidine residue is moderately conserved and there is a moderate physicochemical difference between histidine and leucine.